The following is an entry in ClinVar:

ClinVar aggregate classification (germline): Uncertain significance (1 of 4 stars; one submission).

Submission:

GeneDx
Classification: Uncertain significance. Last evaluated: 2014-04-27. Review status: criteria provided, single submitter. Criteria: GeneDx Variant Classification (06012015). Collection method: clinical testing. Allele origin: germline. Affected: yes.
Comment: Missense variants in the TTN gene are considered 'unclassified' if they are not previously reported in the literature and do not have >1% frequency in the population to be considered a polymorphism. Research indicates that truncating mutations in the TTN gene are expected to account for approximately 25% of familial and 18% of sporadic idiopathic DCM; however, truncating variants in the TTN gene have been reported in approximately 3% of reported control alleles. There has been little investigation into non-truncating variants. (Herman D et al. Truncations of titin causing dilated cardiomyopathy. N Eng J Med 366:619-628, 2012) The variant is found in CARDIOMYOPATHY panel(s).

NM_001267550.2(TTN):c.48851G>A (p.Gly16284Glu)

Genes: TTN (titin; minus strand), TTN-AS1 (TTN antisense RNA 1; plus strand), LOC126806426 (BRD4-independent group 4 enhancer GRCh37_chr2:179478848-179480047; plus strand). Cytogenetic location: 2q31.2.
Variant type: single nucleotide variant.
Coding change: c.48851G>A on transcript NM_001267550.2 (MANE Select); coding-DNA position 48851, G replaced by A.
Protein change: p.Gly16284Glu; replaces glycine 16284 with glutamic acid.
Molecular consequence: missense variant. On other transcripts: non-coding transcript variant (1).
Genome position (GRCh38, 1-based): chr2:178,614,663, C>T on the plus strand (G>A on the coding strand, the complement: TTN is on the minus strand). VCF-style: chr2-178614663-C-T. GRCh37 (hg19) VCF-style: chr2-179479390-C-T.
Other names: p.G14643E:GGA>GAA; c.43928G>A, p.Gly14643Glu (NM_001256850.1); c.21656G>A, p.Gly7219Glu (NM_003319.4); c.41147G>A, p.Gly13716Glu (NM_133378.4); c.22031G>A, p.Gly7344Glu (NM_133432.3); c.22232G>A, p.Gly7411Glu (NM_133437.4); short protein forms G14643E, G16284E, G13716E, G7344E, G7411E, G7219E.
Identifiers: ClinVar variation 202671 (VCV000202671.2), dbSNP rs794729444, ClinGen allele CA309935.